The following is an entry in ClinVar:

ClinVar aggregate classification (germline): Uncertain significance (1 of 4 stars; one submission).

Submission:

GeneDx
Classification: Uncertain significance. Last evaluated: 2023-11-18. Review status: criteria provided, single submitter. Criteria: GeneDx Variant Classification Process June 2021. Collection method: clinical testing. Allele origin: germline.
Comment: Not observed at significant frequency in large population cohorts (gnomAD); In silico analysis supports that this missense variant has a deleterious effect on protein structure/function; Has not been previously published as pathogenic or benign to our knowledge

NM_000810.4(GABRA5):c.436A>G (p.Met146Val)

Gene: GABRA5 (gamma-aminobutyric acid type A receptor subunit alpha5; plus strand). Cytogenetic location: 15q12.
Variant type: single nucleotide variant.
Coding change: c.436A>G on transcript NM_000810.4 (MANE Select); coding-DNA position 436, A replaced by G.
Protein change: p.Met146Val; replaces methionine 146 with valine.
Molecular consequence: missense variant.
Genome position (GRCh38, 1-based): chr15:26,883,496, A>G. VCF-style: chr15-26883496-A-G. GRCh37 (hg19) VCF-style: chr15-27128643-A-G.
Other names: c.436A>G, p.Met146Val (NM_001165037.2); short protein forms M146V.
Identifiers: ClinVar variation 1712868 (VCV001712868.3), dbSNP rs2504200709, ClinGen allele CA391464729.
Genomic context (GRCh38, chr15:26,883,496, plus strand): 5'-AGCAAGATCTGGACCCCAGACACGTTCTTCCACAACGGGAAGAAGTCCATCGCTCACAAC[A>G]TGACCACGCCCAACAAGCTGCTGCGGCTGGAGGACGACGGCACCCTGCTCTACACCATGC-3'
Protein context (NP_000801.1, residues 136-156): HNGKKSIAHN[Met146Val]TTPNKLLRLE